The following is an entry in ClinVar:

NM_000503.6(EYA1):c.1051G>T (p.Asp351Tyr)

Gene: EYA1 (EYA transcriptional coactivator and phosphatase 1; minus strand). Cytogenetic location: 8q13.3.
Variant type: single nucleotide variant.
Coding change: c.1051G>T on transcript NM_000503.6 (MANE Select); coding-DNA position 1051, G replaced by T.
Protein change: p.Asp351Tyr; replaces aspartic acid 351 with tyrosine.
Molecular consequence: missense variant. On other transcripts: intron variant (2).
Genome position (GRCh38, 1-based): chr8:71,244,692, C>A on the plus strand (G>T on the coding strand, the complement: EYA1 is on the minus strand). VCF-style: chr8-71244692-C-A. GRCh37 (hg19) VCF-style: chr8-72156927-C-A.
Other names: c.1033G>T, p.Asp345Tyr (NM_001288574.2); c.685G>T, p.Asp229Tyr (NM_001288575.2); c.1138G>T, p.Asp380Tyr (NM_001370333.1); c.1051G>T, p.Asp351Tyr (NM_001370334.1, NM_001370335.1, NM_172058.4); c.1119+25048G>T (NM_001370336.1); c.1122+25048G>T (NM_172059.5); short protein forms D229Y, D345Y, D351Y, D380Y.
Identifiers: ClinVar variation 1699634 (VCV001699634.2), dbSNP rs2128904607, ClinGen allele CA371467882.

ClinVar aggregate classification (germline): Likely pathogenic (1 of 4 stars; one submission).

Submission:

GeneDx
Classification: Likely pathogenic. Last evaluated: 2022-01-28. Review status: criteria provided, single submitter. Criteria: GeneDx Variant Classification Process June 2021. Collection method: clinical testing. Allele origin: germline. Affected: yes.
Comment: Published functional studies demonstrate this variant may cause skipping of exon 12 (Okada et al., 2006); Not observed at significant frequency in large population cohorts (gnomAD); This variant is associated with the following publications: (PMID: 16491411, 25525159, 24586880, 21288883)